The following is an entry in ClinVar:

ClinVar aggregate classification (germline): Uncertain significance (1 of 4 stars; one submission).

Submission:

Labcorp Genetics (formerly Invitae), Labcorp
Classification: Uncertain significance. Last evaluated: 2023-01-23. Review status: criteria provided, single submitter. Criteria: Invitae Variant Classification Sherloc (09022015). Collection method: clinical testing. Allele origin: germline.
Comment: This variant is not present in population databases (gnomAD no frequency). This sequence change replaces alanine, which is neutral and non-polar, with proline, which is neutral and non-polar, at codon 138 of the ATP6V0C protein (p.Ala138Pro). This variant has not been reported in the literature in individuals affected with ATP6V0C-related conditions. ClinVar contains an entry for this variant (Variation ID: 1004311). Algorithms developed to predict the effect of missense changes on protein structure and function are either unavailable or do not agree on the potential impact of this missense change (SIFT: "Deleterious"; PolyPhen-2: "Probably Damaging"; Align-GVGD: "Class C0"). In summary, the available evidence is currently insufficient to determine the role of this variant in disease. Therefore, it has been classified as a Variant of Uncertain Significance.

NM_001694.4(ATP6V0C):c.412G>C (p.Ala138Pro)

Gene: ATP6V0C (ATPase H+ transporting V0 subunit c; plus strand). Cytogenetic location: 16p13.3.
Variant type: single nucleotide variant.
Coding change: c.412G>C on transcript NM_001694.4 (MANE Select); coding-DNA position 412, G replaced by C.
Protein change: p.Ala138Pro; replaces alanine 138 with proline.
Molecular consequence: missense variant.
Genome position (GRCh38, 1-based): chr16:2,519,689, G>C. VCF-style: chr16-2519689-G-C. GRCh37 (hg19) VCF-style: chr16-2569690-G-C.
Other names: c.412G>C, p.Ala138Pro (NM_001198569.2); short protein forms A138P.
Identifiers: ClinVar variation 1004311 (VCV001004311.8), dbSNP rs2065898758, ClinGen allele CA394388727.